The following is an entry in ClinVar:

NM_000152.5(GAA):c.858+1G>A

Gene: GAA (alpha glucosidase; plus strand). Cytogenetic location: 17q25.3.
Variant type: single nucleotide variant.
Coding change: c.858+1G>A on transcript NM_000152.5 (MANE Select); the canonical splice donor site of the intron after coding-DNA position 858, G replaced by A.
Molecular consequence: splice donor variant.
Genome position (GRCh38, 1-based): chr17:80,107,723, G>A. VCF-style: chr17-80107723-G-A. GRCh37 (hg19) VCF-style: chr17-78081522-G-A.
Other names: c.858+1G>A (NM_001406741.1, NM_001406742.1, NM_001079803.3 and 1 more transcripts).
Identifiers: ClinVar variation 2675780 (VCV002675780.4), dbSNP rs2510358612, ClinGen allele CA401363726.
Genomic context (GRCh38, chr17:80,107,723, plus strand): 5'-CTGATGCTCAGCACCAGCTGGACCAGGATCACCCTGTGGAACCGGGACCTTGCGCCCACG[G>A]TACAGCGGCGGGCGGCGGGCGGGGGCACTGAGCTGGGGAGCGCAGGTGCTGAAGCGCCGT-3'

ClinVar aggregate classification (germline): Likely pathogenic. Review status: criteria provided, multiple submitters, no conflicts (2 of 4 stars). 2 submissions from 2 submitters: Likely pathogenic (2). Last evaluated 2023-12-30.

Conditions:
Glycogen storage disease, type II (IOPD). Also called: CARDIOMEGALIA GLYCOGENICA DIFFUSA; GLYCOGENOSIS, GENERALIZED, CARDIAC FORM; GSD II; Glucosidase acid-1,4-alpha deficiency; Pompe Disease; Glycogen storage disease type 2. Identifiers: Orphanet 365, MedGen C0017921, MONDO:0009290, OMIM 232300.

Submissions (2):

Labcorp Genetics (formerly Invitae), Labcorp
Classification: Likely pathogenic for Glycogen storage disease, type II. Last evaluated: 2023-12-30. Review status: criteria provided, single submitter. Criteria: Invitae Variant Classification Sherloc (09022015). Collection method: clinical testing. Allele origin: germline.
Comment: This sequence change affects a donor splice site in intron 4 of the GAA gene. It is expected to disrupt RNA splicing. Variants that disrupt the donor or acceptor splice site typically lead to a loss of protein function (PMID: 16199547), and loss-of-function variants in GAA are known to be pathogenic (PMID: 18425781, 22252923). This variant is not present in population databases (gnomAD no frequency). This variant has not been reported in the literature in individuals affected with GAA-related conditions. Algorithms developed to predict the effect of sequence changes on RNA splicing suggest that this variant may disrupt the consensus splice site. In summary, the currently available evidence indicates that the variant is pathogenic, but additional data are needed to prove that conclusively. Therefore, this variant has been classified as Likely Pathogenic.

Baylor Genetics
Classification: Likely pathogenic for Glycogen storage disease, type II. Last evaluated: 2023-01-19. Review status: criteria provided, single submitter. Criteria: ACMG Guidelines, 2015. Collection method: clinical testing. Allele origin: unknown.

Literature cited by the submitters: PubMed 16199547 (cited by Labcorp Genetics (formerly Invitae), Labcorp); PubMed 18425781 (cited by Labcorp Genetics (formerly Invitae), Labcorp); PubMed 22252923 (cited by Labcorp Genetics (formerly Invitae), Labcorp).